The following is an entry in ClinVar:

NM_020699.4(GATAD2B):c.477T>G (p.Ile159Met)

Gene: GATAD2B (GATA zinc finger domain containing 2B; minus strand). Cytogenetic location: 1q21.3.
Variant type: single nucleotide variant.
Coding change: c.477T>G on transcript NM_020699.4 (MANE Select); coding-DNA position 477, T replaced by G.
Protein change: p.Ile159Met; replaces isoleucine 159 with methionine.
Molecular consequence: missense variant.
Genome position (GRCh38, 1-based): chr1:153,818,911, A>C on the plus strand (T>G on the coding strand, the complement: GATAD2B is on the minus strand). VCF-style: chr1-153818911-A-C. GRCh37 (hg19) VCF-style: chr1-153791387-A-C.
Other names: c.477T>G (NM_020699.2); short protein forms I159M.
Identifiers: ClinVar variation 3699257 (VCV003699257.3).

ClinVar aggregate classification (germline): Uncertain significance. Review status: criteria provided, multiple submitters, no conflicts (2 of 4 stars). 2 submissions from 2 submitters: Uncertain significance (2). Last evaluated 2025-10-18.

Conditions:
Inborn genetic diseases. Identifiers: MedGen C0950123, MeSH D030342.

Submissions (2):

Ambry Genetics
Classification: Uncertain significance for Inborn genetic diseases. Last evaluated: 2025-10-18. Review status: criteria provided, single submitter. Criteria: Ambry Variant Classification Scheme 2023. Collection method: clinical testing. Allele origin: germline.

Labcorp Genetics (formerly Invitae), Labcorp
Classification: Uncertain significance. Last evaluated: 2024-12-10. Review status: criteria provided, single submitter. Criteria: Invitae Variant Classification Sherloc (09022015). Collection method: clinical testing. Allele origin: germline.
Comment: This sequence change replaces isoleucine, which is neutral and non-polar, with methionine, which is neutral and non-polar, at codon 159 of the GATAD2B protein (p.Ile159Met). This variant is present in population databases (no rsID available, gnomAD 0.007%). This variant has not been reported in the literature in individuals affected with GATAD2B-related conditions. Invitae Evidence Modeling of protein sequence and biophysical properties (such as structural, functional, and spatial information, amino acid conservation, physicochemical variation, residue mobility, and thermodynamic stability) indicates that this missense variant is not expected to disrupt GATAD2B protein function with a negative predictive value of 80%. In summary, the available evidence is currently insufficient to determine the role of this variant in disease. Therefore, it has been classified as a Variant of Uncertain Significance.